The following is an entry in ClinVar:

ClinVar aggregate classification (germline): Benign/Likely benign. Review status: criteria provided, multiple submitters, no conflicts (2 of 4 stars). 25 submissions from 18 submitters: Benign (14); Likely benign (8). 3 of the submissions do not count toward it. Last evaluated 2026-10-01.

Conditions:
Cardiovascular phenotype. Identifiers: MedGen CN230736.
Dilated cardiomyopathy 1G (CMD1G). Identifiers: Orphanet 154, MedGen C1858763, MONDO:0011400, OMIM 604145.
Autosomal recessive limb-girdle muscular dystrophy type 2J (LGMDR10). Also called: Limb-girdle muscular dystrophy, type 2J; MUSCULAR DYSTROPHY, LIMB-GIRDLE, AUTOSOMAL RECESSIVE 10. Identifiers: Orphanet 140922, MedGen C1837342, MONDO:0012127, OMIM 608807.
Myopathy, myofibrillar, 9, with early respiratory failure (MFM9). Also called: Hereditary myopathy with early respiratory failure; MYOPATHY, PROXIMAL, WITH EARLY RESPIRATORY MUSCLE INVOLVEMENT; Myopathy, distal, with early respiratory failure, autosomal dominant; EDSTROM MYOPATHY. Identifiers: Orphanet 178464, Orphanet 34521, MedGen C1863599, MONDO:0011362, OMIM 603689.
Tibial muscular dystrophy (TMD). Also called: UDD MYOPATHY; Tibial muscular dystrophy, tardive; Udd Distal Myopathy – Tibial Muscular Dystrophy. Identifiers: Orphanet 609, MedGen C1838244, MONDO:0010870, OMIM 600334.
Early-onset myopathy with fatal cardiomyopathy (CMYO5). Also called: Salih Myopathy; CONGENITAL MYOPATHY 5 WITH CARDIOMYOPATHY. Identifiers: Orphanet 289377, MedGen C2673677, MONDO:0012714, OMIM 611705. Disease mechanism: loss of function.

Allele frequency attached by ClinVar (database versions not stated): ESP Exome Variant Server 0.00355; gnomAD 0.00406 and 0.00383; TOPMed 0.00419; gnomAD exomes 0.00097; 1000 Genomes Project 0.00439; 1000 Genomes Project 30x 0.00484; ExAC 0.00127.
gnomAD v4.1: 1,136 of 1,613,478 alleles (0.07%); highest among the groups gnomAD compares: African/African-American, 1.3%; 5 homozygotes.

Submissions (25):

CeGaT Center for Human Genetics Tuebingen
Classification: Likely benign. Last evaluated: 2026-10-01. Review status: criteria provided, single submitter. Criteria: CeGaT Center For Human Genetics Tuebingen Variant Classification Criteria Version 2. Collection method: clinical testing. Allele origin: germline. Affected: yes. Observed: 6 variant alleles.
Comment: TTN: BS1

Labcorp Genetics (formerly Invitae), Labcorp
Classification: Benign for Dilated cardiomyopathy 1G; Autosomal recessive limb-girdle muscular dystrophy type 2J. Last evaluated: 2026-01-28. Review status: criteria provided, single submitter. Criteria: Invitae Variant Classification Sherloc (09022015). Collection method: clinical testing. Allele origin: germline.

Athena Diagnostics
Classification: Benign. Last evaluated: 2025-05-19. Review status: criteria provided, single submitter. Criteria: Athena Diagnostics Criteria. Collection method: clinical testing. Allele origin: unknown.
Comment: The frequency of this variant in the general population is higher than would generally be expected for pathogenic variants in this gene.

Molecular Diagnostic Laboratory for Inherited Cardiovascular Disease, Montreal Heart Institute
Classification: Likely benign. Last evaluated: 2025-04-09. Review status: criteria provided, single submitter. Criteria: ACMG Guidelines, 2015. Collection method: clinical testing. Allele origin: germline. Affected: no.

Blueprint Genetics
Classification: Likely benign. Last evaluated: 2024-10-04. Review status: criteria provided, single submitter. Criteria: ACMG Guidelines, 2015. Collection method: clinical testing. Allele origin: germline.

ARUP Laboratories, Molecular Genetics and Genomics, ARUP Laboratories
Classification: Benign. Last evaluated: 2023-11-29. Review status: criteria provided, single submitter. Criteria: ARUP Molecular Germline Variant Investigation Process 2024. Collection method: clinical testing. Allele origin: germline.

Mayo Clinic Laboratories, Mayo Clinic
Classification: Benign. Last evaluated: 2023-10-30. Review status: criteria provided, single submitter. Criteria: ACMG Guidelines, 2015. Collection method: clinical testing. Allele origin: germline. Observed: 11 variant alleles.
Comment: BS1, BS2

Women's Health and Genetics/Laboratory Corporation of America, LabCorp
Classification: Likely benign. Last evaluated: 2023-04-26. Review status: criteria provided, single submitter. Criteria: LabCorp Variant Classification Summary - May 2015. Collection method: clinical testing. Allele origin: germline.

Genome-Nilou Lab
Classification: Benign for Autosomal recessive limb-girdle muscular dystrophy type 2J. Last evaluated: 2021-09-10. Review status: criteria provided, single submitter. Criteria: ACMG Guidelines, 2015. Collection method: clinical testing. Allele origin: germline. Affected: no.

Genome-Nilou Lab
Classification: Benign for Myopathy, myofibrillar, 9, with early respiratory failure. Last evaluated: 2021-09-10. Review status: criteria provided, single submitter. Criteria: ACMG Guidelines, 2015. Collection method: clinical testing. Allele origin: germline. Affected: no.

Genome-Nilou Lab
Classification: Benign for Early-onset myopathy with fatal cardiomyopathy. Last evaluated: 2021-09-10. Review status: criteria provided, single submitter. Criteria: ACMG Guidelines, 2015. Collection method: clinical testing. Allele origin: germline. Affected: no.

Genome-Nilou Lab
Classification: Benign for Tibial muscular dystrophy. Last evaluated: 2021-09-10. Review status: criteria provided, single submitter. Criteria: ACMG Guidelines, 2015. Collection method: clinical testing. Allele origin: germline. Affected: no.

Illumina Laboratory Services, Illumina
Classification: Benign for Tibial muscular dystrophy. Last evaluated: 2018-01-12. Review status: criteria provided, single submitter. Criteria: ICSL Variant Classification Criteria 13 December 2019. Collection method: clinical testing. Allele origin: germline.
Comment: This variant was observed in the ICSL laboratory as part of a predisposition screen in an ostensibly healthy population. It had not been previously curated by ICSL or reported in the Human Gene Mutation Database (HGMD: prior to June 1st, 2018), and was therefore a candidate for classification through an automated scoring system. Utilizing variant allele frequency, disease prevalence and penetrance estimates, and inheritance mode, an automated score was calculated to assess if this variant is too frequent to cause the disease. Based on the score and internal cut-off values, a variant classified as benign is not then subjected to further curation. The score for this variant resulted in a classification of benign for this disease.

Illumina Laboratory Services, Illumina
Classification: Likely benign for Autosomal recessive limb-girdle muscular dystrophy type 2J. Last evaluated: 2018-01-12. Review status: criteria provided, single submitter. Criteria: ICSL Variant Classification Criteria 13 December 2019. Collection method: clinical testing. Allele origin: germline.
Comment: This variant was observed in the ICSL laboratory as part of a predisposition screen in an ostensibly healthy population. It had not been previously curated by ICSL or reported in the Human Gene Mutation Database (HGMD: prior to June 1st, 2018), and was therefore a candidate for classification through an automated scoring system. Utilizing variant allele frequency, disease prevalence and penetrance estimates, and inheritance mode, an automated score was calculated to assess if this variant is too frequent to cause the disease. Based on the score and internal cut-off values, a variant classified as likely benign is not then subjected to further curation. The score for this variant resulted in a classification of likely benign for this disease.

Illumina Laboratory Services, Illumina
Classification: Likely benign for Dilated cardiomyopathy 1G. Last evaluated: 2018-01-12. Review status: criteria provided, single submitter. Criteria: ICSL Variant Classification Criteria 13 December 2019. Collection method: clinical testing. Allele origin: germline.
Comment: the same text as in the submission from Illumina Laboratory Services, Illumina above.

Illumina Laboratory Services, Illumina
Classification: Likely benign for Early-onset myopathy with fatal cardiomyopathy. Last evaluated: 2018-01-12. Review status: criteria provided, single submitter. Criteria: ICSL Variant Classification Criteria 13 December 2019. Collection method: clinical testing. Allele origin: germline.
Comment: the same text as in the submission from Illumina Laboratory Services, Illumina above.

Illumina Laboratory Services, Illumina
Classification: Benign for Myopathy, myofibrillar, 9, with early respiratory failure. Last evaluated: 2018-01-12. Review status: criteria provided, single submitter. Criteria: ICSL Variant Classification Criteria 13 December 2019. Collection method: clinical testing. Allele origin: germline.
Comment: the same text as in the submission from Illumina Laboratory Services, Illumina above.

Ambry Genetics
Classification: Benign for Cardiovascular phenotype. Last evaluated: 2016-01-11. Review status: criteria provided, single submitter. Criteria: Ambry Variant Classification Scheme 2023. Collection method: clinical testing. Allele origin: germline.

GeneDx
Classification: Benign. Last evaluated: 2014-03-07. Review status: criteria provided, single submitter. Criteria: GeneDx Variant Classification (06012015). Collection method: clinical testing. Allele origin: germline. Affected: yes.
Comment: This variant is considered likely benign or benign based on one or more of the following criteria: it is a conservative change, it occurs at a poorly conserved position in the protein, it is predicted to be benign by multiple in silico algorithms, and/or has population frequency not consistent with disease.

Biesecker Lab/Clinical Genomics Section, National Institutes of Health
Classification: Benign. Last evaluated: 2013-06-24. Review status: criteria provided, single submitter. Criteria: Ng et al. (Circ Cardiovasc Genet. 2013). Collection method: research. Allele origin: unknown. Observed: 1 variant allele. Study: ClinSeq.
Comment: The study set was not selected for affection status in relation to any cancer. Pathogenicity categories were based on literature curation. See Pubmed ID:23861362 for details.

Medical sequencing

Laboratory for Molecular Medicine, Mass General Brigham Personalized Medicine
Classification: Benign. Last evaluated: 2012-03-19. Review status: criteria provided, single submitter. Criteria: LMM Criteria. Collection method: clinical testing. Allele origin: germline. Observed: 5 variant alleles.
Comment: p.Val17154Ala in Exon 249 of TTN: This variant is not expected to have clinical significance because it has been identified in 1.2% (39/3132) of African America n chromosomes from a broad population by the NHLBI Exome Sequencing Project (dbSNP rs116592778).

Breakthrough Genomics
Classification: Likely benign. Review status: criteria provided, single submitter. Criteria: ACMG Guidelines, 2015. Collection method: not provided. Allele origin: germline. Inheritance: Autosomal recessive inheritance. Affected: yes.

Clinical Genetics DNA and cytogenetics Diagnostics Lab, Erasmus MC, Erasmus Medical Center
Classification: Benign. Review status: no assertion criteria provided. Collection method: clinical testing. Allele origin: germline. Affected: yes. Study: VKGL Data-share Consensus. Not counted in ClinVar's aggregate classification.

Clinical Genetics, Academic Medical Center
Classification: Benign. Review status: no assertion criteria provided. Collection method: clinical testing. Allele origin: germline. Affected: yes. Study: VKGL Data-share Consensus. Not counted in ClinVar's aggregate classification.

Genome Diagnostics Laboratory, University Medical Center Utrecht
Classification: Benign. Review status: no assertion criteria provided. Collection method: clinical testing. Allele origin: germline. Affected: yes. Study: VKGL Data-share Consensus. Not counted in ClinVar's aggregate classification.

Literature cited by the submitters: PubMed 31484976 (cited by Athena Diagnostics); PubMed 23861362 (cited by Athena Diagnostics).

NM_001267550.2(TTN):c.59165T>C (p.Val19722Ala)

Genes: TTN (titin; minus strand), TTN-AS1 (TTN antisense RNA 1; plus strand). Cytogenetic location: 2q31.2.
Variant type: single nucleotide variant.
Coding change: c.59165T>C on transcript NM_001267550.2 (MANE Select); coding-DNA position 59165, T replaced by C.
Protein change: p.Val19722Ala; replaces valine 19722 with alanine.
Molecular consequence: missense variant.
Genome position (GRCh38, 1-based): chr2:178,592,954, A>G on the plus strand (T>C on the coding strand, the complement: TTN is on the minus strand). VCF-style: chr2-178592954-A-G. GRCh37 (hg19) VCF-style: chr2-179457681-A-G.
Other names: p.V18081A:GTT>GCT; p.Val18081Ala; c.54242T>C, p.Val18081Ala (NM_001256850.1); c.31970T>C, p.Val10657Ala (NM_003319.4); c.51461T>C, p.Val17154Ala (NM_133378.4); c.32345T>C, p.Val10782Ala (NM_133432.3); c.32546T>C, p.Val10849Ala (NM_133437.4); short protein forms V19722A, V18081A, V17154A, V10657A, V10849A, V10782A.
Identifiers: ClinVar variation 137798 (VCV000137798.58), dbSNP rs116592778, ClinGen allele CA295532.